The following is an entry in ClinVar:

NM_022552.5(DNMT3A):c.302C>T (p.Pro101Leu)

Gene: DNMT3A (DNA methyltransferase 3 alpha; minus strand). Cytogenetic location: 2p23.3.
Variant type: single nucleotide variant.
Coding change: c.302C>T on transcript NM_022552.5 (MANE Select); coding-DNA position 302, C replaced by T.
Protein change: p.Pro101Leu; replaces proline 101 with leucine.
Molecular consequence: missense variant. On other transcripts: non-coding transcript variant (1).
Genome position (GRCh38, 1-based): chr2:25,282,587, G>A on the plus strand (C>T on the coding strand, the complement: DNMT3A is on the minus strand). VCF-style: chr2-25282587-G-A. GRCh37 (hg19) VCF-style: chr2-25505456-G-A.
Other names: c.302C>T, p.Pro101Leu (NM_001320892.2, NM_175629.2, NM_175630.1); short protein forms P101L.
Identifiers: ClinVar variation 4691230 (VCV004691230.1).

ClinVar aggregate classification (germline): Uncertain significance (1 of 4 stars; one submission).

Conditions:
Tatton-Brown-Rahman overgrowth syndrome. Also called: Tall stature-intellectual disability-facial dysmorphism syndrome; Tatton-Brown-Rahman syndrome. Identifiers: Orphanet 404443, MedGen C4014545, MONDO:0014382, OMIM 615879.

gnomAD v4.1: 8 of 1,613,528 alleles (0.0005%); highest among the groups gnomAD compares: Non-Finnish European, 0.00059%; no homozygotes.

Submission:

Labcorp Genetics (formerly Invitae), Labcorp
Classification: Uncertain significance for Tatton-Brown-Rahman overgrowth syndrome. Last evaluated: 2025-07-03. Review status: criteria provided, single submitter. Criteria: Invitae Variant Classification Sherloc (09022015). Collection method: clinical testing. Allele origin: germline.
Comment: This sequence change replaces proline, which is neutral and non-polar, with leucine, which is neutral and non-polar, at codon 101 of the DNMT3A protein (p.Pro101Leu). This variant is present in population databases (no rsID available, gnomAD 0.0009%). This variant has not been reported in the literature in individuals affected with DNMT3A-related conditions. Invitae Evidence Modeling of protein sequence and biophysical properties (such as structural, functional, and spatial information, amino acid conservation, physicochemical variation, residue mobility, and thermodynamic stability) indicates that this missense variant is not expected to disrupt DNMT3A protein function with a negative predictive value of 95%. In summary, the available evidence is currently insufficient to determine the role of this variant in disease. Therefore, it has been classified as a Variant of Uncertain Significance.